The following is an entry in ClinVar:

ClinVar aggregate classification (germline): Uncertain significance (1 of 4 stars; one submission).

Conditions:
Progressive familial heart block type IB (PFHB1B). Identifiers: Orphanet 871, MedGen C1970298, MONDO:0011474, OMIM 604559.

Allele frequency attached by ClinVar (database versions not stated): gnomAD 0.00001.
gnomAD v4.1: 1 of 1,577,610 alleles (0.000063%); highest among the groups gnomAD compares: Non-Finnish European, 0.000087%; no homozygotes.

Submission:

Labcorp Genetics (formerly Invitae), Labcorp
Classification: Uncertain significance for Progressive familial heart block type IB. Last evaluated: 2023-02-27. Review status: criteria provided, single submitter. Criteria: Invitae Variant Classification Sherloc (09022015). Collection method: clinical testing. Allele origin: germline.
Comment: In summary, the available evidence is currently insufficient to determine the role of this variant in disease. Therefore, it has been classified as a Variant of Uncertain Significance. Algorithms developed to predict the effect of missense changes on protein structure and function output the following: SIFT: "Not Available"; PolyPhen-2: "Benign"; Align-GVGD: "Not Available". The glutamic acid amino acid residue is found in multiple mammalian species, which suggests that this missense change does not adversely affect protein function. This variant has not been reported in the literature in individuals affected with TRPM4-related conditions. This variant is not present in population databases (gnomAD no frequency). This sequence change replaces lysine, which is basic and polar, with glutamic acid, which is acidic and polar, at codon 492 of the TRPM4 protein (p.Lys492Glu).

NM_017636.4(TRPM4):c.1474A>G (p.Lys492Glu)

Gene: TRPM4 (transient receptor potential cation channel subfamily M member 4; plus strand). Cytogenetic location: 19q13.33.
Variant type: single nucleotide variant.
Coding change: c.1474A>G on transcript NM_017636.4 (MANE Select); coding-DNA position 1474, A replaced by G.
Protein change: p.Lys492Glu; replaces lysine 492 with glutamic acid.
Molecular consequence: missense variant. On other transcripts: 5 prime UTR variant (1).
Genome position (GRCh38, 1-based): chr19:49,182,788, A>G. VCF-style: chr19-49182788-A-G. GRCh37 (hg19) VCF-style: chr19-49686045-A-G.
Other names: c.1474A>G, p.Lys492Glu (NM_001195227.2); c.1129A>G, p.Lys377Glu (NM_001321281.2); c.-80A>G (NM_001321282.2); c.952A>G, p.Lys318Glu (NM_001321283.2); c.412A>G, p.Lys138Glu (NM_001321285.2); short protein forms K377E, K138E, K318E, K492E.
Identifiers: ClinVar variation 2841241 (VCV002841241.3), dbSNP rs1403797682, ClinGen allele CA406799437.